The following is an entry in ClinVar:

NM_001308093.3(GATA4):c.601C>G (p.Arg201Gly)

Gene: GATA4 (GATA binding protein 4). Cytogenetic location: 8p23.1.
Variant type: single nucleotide variant.
Coding change: c.601C>G on transcript NM_001308093.3 (MANE Select); coding-DNA position 601, C replaced by G.
Protein change: p.Arg201Gly; replaces arginine 201 with glycine.
Molecular consequence: missense variant. On other transcripts: intron variant (3).
Genome position (GRCh38, 1-based): chr8:11,708,913, C>G. VCF-style: chr8-11708913-C-G. GRCh37 (hg19) VCF-style: chr8-11566422-C-G.
Other names: c.601C>G, p.Arg201Gly (NM_002052.5); c.-6+8135C>G (NM_001308094.2); c.-3+899C>G (NM_001374274.1); c.-3+4609C>G (NM_001374273.1); short protein forms R201G.
Identifiers: ClinVar variation 3573481 (VCV003573481.1).
Genomic context (GRCh38, chr8:11,708,913, plus strand): 5'-GCCGGCCCCTTCGACAGCCCGGTCCTGCACAGCCTGCCCGGCCGGGCCAACCCGGCCGCC[C>G]GACACCCCAATCTCGGTGAGTAGGAGCGCGAGGGCTGGGGCGCGTGAGGGCCGGGGCAGG-3'
Protein context (NP_001295022.1, residues 191-211): SLPGRANPAA[Arg201Gly]HPNLVDMFDD

ClinVar aggregate classification (germline): Uncertain significance (1 of 4 stars; one submission).

Submission:

GeneDx
Classification: Uncertain significance. Last evaluated: 2024-07-14. Review status: criteria provided, single submitter. Criteria: GeneDx Variant Classification Process June 2021. Collection method: clinical testing. Allele origin: germline. Affected: yes.
Comment: Not observed at significant frequency in large population cohorts (gnomAD); In silico analysis supports that this missense variant has a deleterious effect on protein structure/function; Has not been previously published as pathogenic or benign to our knowledge